The following is an entry in ClinVar:

NM_004168.4(SDHA):c.1972C>G (p.Pro658Ala)

Gene: SDHA (succinate dehydrogenase complex flavoprotein subunit A; plus strand). Cytogenetic location: 5p15.33.
Variant type: single nucleotide variant.
Coding change: c.1972C>G on transcript NM_004168.4 (MANE Select); coding-DNA position 1972, C replaced by G.
Protein change: p.Pro658Ala; replaces proline 658 with alanine.
Molecular consequence: missense variant.
Genome position (GRCh38, 1-based): chr5:256,397, C>G. VCF-style: chr5-256397-C-G. GRCh37 (hg19) VCF-style: chr5-256512-C-G.
Other names: c.1828C>G, p.Pro610Ala (NM_001294332.2); c.1729C>G, p.Pro577Ala (NM_001330758.2); short protein forms P577A, P610A, P658A.
Identifiers: ClinVar variation 4785339 (VCV004785339.1).
Genomic context (GRCh38, chr5:256,397, plus strand): 5'-ACTCTGGAATATAGACCCGTGATCGACAAAACTTTGAACGAGGCTGACTGTGCCACCGTC[C>G]CGCCAGCCATTCGCTCCTACTGATGAGACAAGATGTGGTGATGACAGAATCAGCTTTTGT-3'
Protein context (NP_004159.2, residues 648-664): TLNEADCATV[Pro658Ala]PAIRSY

ClinVar aggregate classification (germline): Uncertain significance (1 of 4 stars; one submission).

Conditions:
Mitochondrial complex II deficiency, nuclear type 1. Also called: SUCCINATE CoQ REDUCTASE DEFICIENCY. Identifiers: Orphanet 3208, MedGen C5700310, MONDO:0100294, OMIM 252011.
Pheochromocytoma/paraganglioma syndrome 5. Also called: Paragangliomas 5; SDHA-Related Hereditary Paraganglioma-Pheochromocytoma Syndrome. Identifiers: Orphanet 29072, MedGen C3279992, MONDO:0013602, OMIM 614165.

Submission:

Labcorp Genetics (formerly Invitae), Labcorp
Classification: Uncertain significance for Pheochromocytoma/paraganglioma syndrome 5; Mitochondrial complex II deficiency, nuclear type 1. Last evaluated: 2025-10-28. Review status: criteria provided, single submitter. Criteria: Invitae Variant Classification Sherloc (09022015). Collection method: clinical testing. Allele origin: germline.
Comment: This sequence change replaces proline, which is neutral and non-polar, with alanine, which is neutral and non-polar, at codon 658 of the SDHA protein (p.Pro658Ala). This variant is not present in population databases (gnomAD no frequency). This variant has not been reported in the literature in individuals affected with SDHA-related conditions. Invitae Evidence Modeling of protein sequence and biophysical properties (such as structural, functional, and spatial information, amino acid conservation, physicochemical variation, residue mobility, and thermodynamic stability) indicates that this missense variant is not expected to disrupt SDHA protein function with a negative predictive value of 95%. In summary, the available evidence is currently insufficient to determine the role of this variant in disease. Therefore, it has been classified as a Variant of Uncertain Significance.